The following is an entry in ClinVar:

ClinVar aggregate classification (germline): Uncertain significance (1 of 4 stars; one submission).

Submission:

Labcorp Genetics (formerly Invitae), Labcorp
Classification: Uncertain significance. Last evaluated: 2025-03-11. Review status: criteria provided, single submitter. Criteria: Invitae Variant Classification Sherloc (09022015). Collection method: clinical testing. Allele origin: germline.
Comment: This variant, c.1170_1172del, results in the deletion of 1 amino acid(s) of the SNIP1 protein (p.Glu392del), but otherwise preserves the integrity of the reading frame. The frequency data for this variant in the population databases is considered unreliable, as metrics indicate poor data quality at this position in the gnomAD database. This variant has not been reported in the literature in individuals affected with SNIP1-related conditions. In summary, the available evidence is currently insufficient to determine the role of this variant in disease. Therefore, it has been classified as a Variant of Uncertain Significance.

NM_024700.4(SNIP1):c.1161GGA[3] (p.Glu392del)

Gene: SNIP1 (Smad nuclear interacting protein 1; minus strand). Cytogenetic location: 1p34.3.
Variant type: Microsatellite.
Coding change: c.1161GGA[3] on transcript NM_024700.4 (MANE Select); three copies in a row of the 3-base unit GGA starting at c.1161; the reference has four copies in a row; one copy, 3 bases deleted.
Protein change: p.Glu392del; deletes glutamic acid 392.
Molecular consequence: inframe deletion.
Genome position (GRCh38, 1-based): chr1:37,537,767-37,537,769, TCC deleted on the plus strand (GGA on the coding strand, the reverse complement: SNIP1 is on the minus strand); deleting any 3 consecutive bases within chr1:37,537,767-37,537,780 gives the same sequence; the position shown is the placement nearest the transcript's 3' end. VCF-style (leftmost placement, unchanged base first): chr1-37537766-TTCC-T. GRCh37 (hg19) VCF-style: chr1-38003367-TTCC-T.
Other names: short protein forms E392del.
Identifiers: ClinVar variation 2051839 (VCV002051839.4), dbSNP rs754296336, ClinGen allele CA771204.